The following is an entry in ClinVar:

NM_032609.3(COX4I2):c.175G>C (p.Ala59Pro)

Gene: COX4I2 (cytochrome c oxidase subunit 4I2; plus strand). Cytogenetic location: 20q11.21.
Variant type: single nucleotide variant.
Coding change: c.175G>C on transcript NM_032609.3 (MANE Select); coding-DNA position 175, G replaced by C.
Protein change: p.Ala59Pro; replaces alanine 59 with proline.
Molecular consequence: missense variant.
Genome position (GRCh38, 1-based): chr20:31,640,025, G>C. VCF-style: chr20-31640025-G-C. GRCh37 (hg19) VCF-style: chr20-30227828-G-C.
Other names: short protein forms A59P.
Identifiers: ClinVar variation 1032977 (VCV001032977.5), dbSNP rs147223483, ClinGen allele CA9801885.

ClinVar aggregate classification (germline): Conflicting classifications of pathogenicity. Review status: criteria provided, conflicting classifications (1 of 4 stars). 3 submissions from 3 submitters: Uncertain significance (2); Likely benign (1). Last evaluated 2025-10-22.

Conditions:
Pancreatic insufficiency-anemia-hyperostosis syndrome. Identifiers: Orphanet 199337, MedGen C2675184, MONDO:0012992, OMIM 612714.

Allele frequency attached by ClinVar (database versions not stated): 1000 Genomes Project 30x 0.00016; gnomAD exomes 0.00019; 1000 Genomes Project 0.00020; ExAC 0.00023; gnomAD 0.00092 and 0.00101; ESP Exome Variant Server 0.00108; TOPMed 0.00109.

Submissions (3):

Labcorp Genetics (formerly Invitae), Labcorp
Classification: Likely benign. Last evaluated: 2025-10-22. Review status: criteria provided, single submitter. Criteria: Invitae Variant Classification Sherloc (09022015). Collection method: clinical testing. Allele origin: germline.

Baylor Genetics
Classification: Uncertain significance for Pancreatic insufficiency-anemia-hyperostosis syndrome. Last evaluated: 2018-08-16. Review status: criteria provided, single submitter. Criteria: ACMG Guidelines, 2015. Collection method: clinical testing. Allele origin: paternal. Affected: yes.
Comment: This variant was determined to be of uncertain significance according to ACMG Guidelines, 2015 [PMID:25741868].

Breakthrough Genomics
Classification: Uncertain significance. Review status: criteria provided, single submitter. Criteria: ACMG Guidelines, 2015. Collection method: not provided. Allele origin: germline. Inheritance: Autosomal dominant inheritance. Affected: yes.